The following is an entry in ClinVar:

NM_007294.4(BRCA1):c.4996T>C (p.Tyr1666His)

Gene: BRCA1 (BRCA1 DNA repair associated; minus strand). Cytogenetic location: 17q21.31.
Variant type: single nucleotide variant.
Coding change: c.4996T>C on transcript NM_007294.4 (MANE Select); coding-DNA position 4996, T replaced by C.
Protein change: p.Tyr1666His; replaces tyrosine 1666 with histidine.
Molecular consequence: missense variant. On other transcripts: non-coding transcript variant (1).
Genome position (GRCh38, 1-based): chr17:43,067,686, A>G on the plus strand (T>C on the coding strand, the complement: BRCA1 is on the minus strand). VCF-style: chr17-43067686-A-G. GRCh37 (hg19) VCF-style: chr17-41219703-A-G.
Other names: c.4609T>C, p.Tyr1537His (NM_001407963.1); c.4534T>C, p.Tyr1512His (NM_001407964.1); c.4489T>C, p.Tyr1497His (NM_001407965.1); c.4108T>C, p.Tyr1370His (NM_001407966.1); c.4105T>C, p.Tyr1369His (NM_001407967.1); c.2392T>C, p.Tyr798His (NM_001407968.1); c.2389T>C, p.Tyr797His (NM_001407969.1); c.1753T>C, p.Tyr585His (NM_001407970.1, NM_001407971.1); and 70 more; short protein forms Y1666H, Y1687H, Y562H, Y1619H, Y1497H, Y1512H, Y1578H, Y1597H.
Identifiers: ClinVar variation 55351 (VCV000055351.4), dbSNP rs397509215, ClinGen allele CA003144.

ClinVar aggregate classification (germline): not provided (0 of 4 stars; one submission).

Conditions:
Familial cancer of breast. Also called: hereditary breast carcinoma; BREAST CANCER, FAMILIAL; Hereditary breast cancer. Identifiers: Orphanet 227535, MedGen C0346153, MONDO:0016419, OMIM 114480. Disease mechanism: loss of function.

Submissions (2):

Brotman Baty Institute, University of Washington
No classification provided (evidence only). Condition: Breast-ovarian cancer, familial 1. Review status: no classification provided. Collection method: in vitro. Allele origin: not applicable. Functional consequence: functionally_normal. Not counted in ClinVar's aggregate classification.
ClinVar note: "not provided" was previously submitted as the classification for the variant. However, the classification appeared to be based only on an observation of functional data so it was converted to no classification on 2025-07-30.

ClinVar Staff, National Center for Biotechnology Information (NCBI)
No classification provided. Condition: Familial cancer of breast. Review status: no classification provided. Collection method: literature only. Allele origin: germline. Affected: yes.

Literature cited by the submitters: PubMed 18835712 (cited by ClinVar Staff, National Center for Biotechnology Information (NCBI)).